The following is an entry in ClinVar:

ClinVar aggregate classification (germline): Benign/Likely benign. Review status: criteria provided, multiple submitters, no conflicts (2 of 4 stars). 4 submissions from 4 submitters: Benign (1); Likely benign (3). Last evaluated 2026-06-04.

Conditions:
Hereditary cancer-predisposing syndrome. Also called: Tumor predisposition; Hereditary neoplastic syndrome; Hereditary Cancer Syndrome; Neoplastic Syndromes, Hereditary. Identifiers: Orphanet 140162, MedGen C0027672, MeSH D009386, MONDO:0015356.
Gastrointestinal stromal tumor. Also called: Gastrointestinal stromal tumor, somatic; Gastrointestinal stroma tumor. Identifiers: Orphanet 44890, MedGen C0238198, MeSH D046152, MONDO:0011719, OMIM 606764, HP:0100723.

Allele frequency attached by ClinVar (database versions not stated): TOPMed 0.00002; gnomAD 0.00003.
gnomAD v4.1: 67 of 1,613,404 alleles (0.0042%); highest among the groups gnomAD compares: Admixed American, 0.01%; no homozygotes.

Submissions (4):

Myriad Genetics, Inc.
Classification: Benign for Gastrointestinal stromal tumor. Last evaluated: 2026-06-04. Review status: criteria provided, single submitter. Criteria: Myriad Autosomal Dominant, Autosomal Recessive and X-Linked Classification Criteria (2023). Collection method: clinical testing. Allele origin: unknown.
Comment: This variant is considered benign. This variant is a silent/synonymous amino acid change and it is not expected to impact splicing.

Labcorp Genetics (formerly Invitae), Labcorp
Classification: Likely benign for Gastrointestinal stromal tumor. Last evaluated: 2026-01-10. Review status: criteria provided, single submitter. Criteria: Invitae Variant Classification Sherloc (09022015). Collection method: clinical testing. Allele origin: germline.

CeGaT Center for Human Genetics Tuebingen
Classification: Likely benign. Last evaluated: 2024-10-01. Review status: criteria provided, single submitter. Criteria: CeGaT Center For Human Genetics Tuebingen Variant Classification Criteria Version 2. Collection method: clinical testing. Allele origin: germline. Affected: yes. Observed: 1 variant allele.
Comment: KIT: BP4, BP7

Ambry Genetics
Classification: Likely benign for Hereditary cancer-predisposing syndrome. Last evaluated: 2020-04-15. Review status: criteria provided, single submitter. Criteria: Ambry Variant Classification Scheme 2023. Collection method: clinical testing. Allele origin: germline.

NM_000222.3(KIT):c.2280C>T (p.Asp760=)

Gene: KIT (KIT proto-oncogene, receptor tyrosine kinase; plus strand). Cytogenetic location: 4q12.
Variant type: single nucleotide variant.
Coding change: c.2280C>T on transcript NM_000222.3 (MANE Select); coding-DNA position 2280, C replaced by T.
Protein change: p.Asp760=; no amino-acid change (aspartic acid 760 retained).
Molecular consequence: synonymous variant.
Genome position (GRCh38, 1-based): chr4:54,731,917, C>T. VCF-style: chr4-54731917-C-T. GRCh37 (hg19) VCF-style: chr4-55598083-C-T.
Other names: c.2268C>T, p.Asp756= (NM_001093772.2, NM_001385292.1); c.2283C>T, p.Asp761= (NM_001385284.1); c.2277C>T, p.Asp759= (NM_001385285.1); c.2265C>T, p.Asp755= (NM_001385286.1); c.2271C>T, p.Asp757= (NM_001385288.1); c.2280C>T, p.Asp760= (NM_001385290.1).
Identifiers: ClinVar variation 415805 (VCV000415805.28), dbSNP rs55717477, ClinGen allele CA2923713.